The following is an entry in ClinVar:

ClinVar aggregate classification (germline): Pathogenic (1 of 4 stars; one submission).

Conditions:
Neurofibromatosis, type 1 (NF1). Also called: Peripheral type neurofibromatosis; VON RECKLINGHAUSEN DISEASE; NEUROFIBROMATOSIS, TYPE I, SOMATIC; Neurofibromatosis, type I. Identifiers: Orphanet 636, MedGen C0027831, MONDO:0018975, OMIM 162200. Disease mechanism: loss of function.

Submission:

Labcorp Genetics (formerly Invitae), Labcorp
Classification: Pathogenic for Neurofibromatosis, type 1. Last evaluated: 2022-05-23. Review status: criteria provided, single submitter. Criteria: Invitae Variant Classification Sherloc (09022015). Collection method: clinical testing. Allele origin: germline.
Comment: For these reasons, this variant has been classified as Pathogenic. This variant disrupts a region of the NF1 protein in which other variant(s) (p.Leu1015Pro) have been determined to be pathogenic (PMID: 14517963, 27322474; Invitae). This suggests that this is a clinically significant region of the protein, and that variants that disrupt it are likely to be disease-causing. This variant has not been reported in the literature in individuals affected with NF1-related conditions. This variant is a gross deletion of the genomic region encompassing exon(s) 23-29 of the NF1 gene. This variant would be expected to be in-frame, preserving the integrity of the reading frame.

Literature cited by the submitters: PubMed 14517963; PubMed 27322474.

NC_000017.10:g.(?_29557258)_(29563059_?)del

Gene: NF1 (neurofibromin 1; plus strand). Cytogenetic location: 17q11.2.
Variant type: Deletion.
Identifiers: ClinVar variation 2422720 (VCV002422720.4).